The following is an entry in ClinVar:

NM_000441.2(SLC26A4):c.154A>G (p.Lys52Glu)

Genes: SLC26A4 (solute carrier family 26 member 4; plus strand), SLC26A4-AS1 (SLC26A4 antisense RNA 1; minus strand). Cytogenetic location: 7q22.3.
Variant type: single nucleotide variant.
Coding change: c.154A>G on transcript NM_000441.2 (MANE Select); coding-DNA position 154, A replaced by G.
Protein change: p.Lys52Glu; replaces lysine 52 with glutamic acid.
Molecular consequence: missense variant. On other transcripts: non-coding transcript variant (1).
Genome position (GRCh38, 1-based): chr7:107,661,795, A>G. VCF-style: chr7-107661795-A-G. GRCh37 (hg19) VCF-style: chr7-107302240-A-G.
Other names: short protein forms K52E.
Identifiers: ClinVar variation 1707108 (VCV001707108.2), dbSNP rs1562817529, ClinGen allele CA368845260.

ClinVar aggregate classification (germline): Uncertain significance (1 of 4 stars; one submission).

gnomAD v4.1: 1 of 1,537,802 alleles (0.000065%); no homozygotes.

Submission:

GeneDx
Classification: Uncertain significance. Last evaluated: 2022-03-25. Review status: criteria provided, single submitter. Criteria: GeneDx Variant Classification Process June 2021. Collection method: clinical testing. Allele origin: germline. Affected: yes.
Comment: Not observed at significant frequency in large population cohorts (gnomAD); In silico analysis supports that this missense variant does not alter protein structure/function; Has not been previously published as pathogenic or benign to our knowledge